The following is an entry in ClinVar:

NM_004006.3(DMD):c.4307C>G (p.Ala1436Gly)

Gene: DMD (dystrophin; minus strand). Cytogenetic location: Xp21.1.
Variant type: single nucleotide variant.
Coding change: c.4307C>G on transcript NM_004006.3 (MANE Select); coding-DNA position 4307, C replaced by G.
Protein change: p.Ala1436Gly; replaces alanine 1436 with glycine.
Molecular consequence: missense variant.
Genome position (GRCh38, 1-based): chrX:32,390,108, G>C on the plus strand (C>G on the coding strand, the complement: DMD is on the minus strand). VCF-style: chrX-32390108-G-C. GRCh37 (hg19) VCF-style: chrX-32408225-G-C.
Other names: c.4283C>G, p.Ala1428Gly (NM_000109.4); c.4295C>G, p.Ala1432Gly (NM_004009.3); c.3938C>G, p.Ala1313Gly (NM_004010.3); c.284C>G, p.Ala95Gly (NM_004011.4); c.275C>G, p.Ala92Gly (NM_004012.4); short protein forms A1432G, A1313G, A1436G, A92G, A1428G, A95G.
Identifiers: ClinVar variation 1810531 (VCV001810531.1), dbSNP rs886042798, ClinGen allele CA412663992.

ClinVar aggregate classification (germline): Uncertain significance (1 of 4 stars; one submission).

Submission:

GeneDx
Classification: Uncertain significance. Last evaluated: 2022-07-05. Review status: criteria provided, single submitter. Criteria: GeneDx Variant Classification Process June 2021. Collection method: clinical testing. Allele origin: germline. Affected: yes.
Comment: Not observed at significant frequency in large population cohorts (gnomAD); In silico analysis supports that this missense variant does not alter protein structure/function; Has not been previously published as pathogenic or benign to our knowledge